The following is an entry in ClinVar:

NM_017654.4(SAMD9):c.3950C>T (p.Thr1317Ile)

Gene: SAMD9 (sterile alpha motif domain containing 9; minus strand). Cytogenetic location: 7q21.2.
Variant type: single nucleotide variant.
Coding change: c.3950C>T on transcript NM_017654.4 (MANE Select); coding-DNA position 3950, C replaced by T.
Protein change: p.Thr1317Ile; replaces threonine 1317 with isoleucine.
Molecular consequence: missense variant.
Genome position (GRCh38, 1-based): chr7:93,102,148, G>A on the plus strand (C>T on the coding strand, the complement: SAMD9 is on the minus strand). VCF-style: chr7-93102148-G-A. GRCh37 (hg19) VCF-style: chr7-92731461-G-A.
Other names: c.3950C>T, p.Thr1317Ile (NM_001193307.2); short protein forms T1317I.
Identifiers: ClinVar variation 4629866 (VCV004629866.1).
Genomic context (GRCh38, chr7:93,102,148, plus strand): 5'-ACTAGGTTTCTCCTGCATCTCTCTACTTGAAGTGGCTCACTGAACTTTGATCCAAGACCT[G>A]TGTTGTTTTGTGATTCTTCTAAGAGACAAAATATATCTACATATTTCTTAAAATATCCAG-3'
Protein context (NP_060124.2, residues 1307-1327): FCLLEESQNN[Thr1317Ile]GLGSKFSEPL

ClinVar aggregate classification (germline): Uncertain significance (1 of 4 stars; one submission).

Conditions:
Inborn genetic diseases. Identifiers: MedGen C0950123, MeSH D030342.

Submission:

Ambry Genetics
Classification: Uncertain significance for Inborn genetic diseases. Last evaluated: 2025-10-10. Review status: criteria provided, single submitter. Criteria: Ambry Variant Classification Scheme 2023. Collection method: clinical testing. Allele origin: germline.
Comment: The p.T1317I variant (also known as c.3950C>T), located in coding exon 1 of the SAMD9 gene, results from a C to T substitution at nucleotide position 3950. The threonine at codon 1317 is replaced by isoleucine, an amino acid with similar properties. This amino acid position is conserved. In addition, this alteration is predicted to be tolerated by in silico analysis. Based on the available evidence, the clinical significance of this variant remains unclear.